The following is an entry in ClinVar:

ClinVar aggregate classification (germline): Uncertain significance (1 of 4 stars; one submission).

Submission:

GeneDx
Classification: Uncertain significance. Last evaluated: 2023-01-03. Review status: criteria provided, single submitter. Criteria: GeneDx Variant Classification Process June 2021. Collection method: clinical testing. Allele origin: germline. Affected: yes.
Comment: Not observed at significant frequency in large population cohorts (gnomAD); In silico analysis supports that this missense variant does not alter protein structure/function; Has not been previously published as pathogenic or benign to our knowledge

NM_178857.6(RP1L1):c.5467G>A (p.Asp1823Asn)

Gene: RP1L1 (RP1 like 1). Cytogenetic location: 8p23.1.
Variant type: single nucleotide variant.
Coding change: c.5467G>A on transcript NM_178857.6 (MANE Select); coding-DNA position 5467, G replaced by A.
Protein change: p.Asp1823Asn; replaces aspartic acid 1823 with asparagine.
Molecular consequence: missense variant.
Genome position (GRCh38, 1-based): chr8:10,608,631, C>T on the plus strand (G>A on the coding strand, the complement: RP1L1 is on the minus strand). VCF-style: chr8-10608631-C-T. GRCh37 (hg19) VCF-style: chr8-10466141-C-T.
Other names: short protein forms D1823N.
Identifiers: ClinVar variation 2571761 (VCV002571761.1), dbSNP rs2486285501, ClinGen allele CA370280921.